The following is an entry in ClinVar:

ClinVar aggregate classification (germline): Uncertain significance (1 of 4 stars; one submission).

Allele frequency attached by ClinVar (database versions not stated): ExAC 0.00002; gnomAD 0.00003; 1000 Genomes Project 30x 0.00016; 1000 Genomes Project 0.00020.
gnomAD v4.1: 19 of 1,613,472 alleles (0.0012%); highest among the groups gnomAD compares: Admixed American, 0.005%; no homozygotes.

Submissions (2):

Labcorp Genetics (formerly Invitae), Labcorp
Classification: Uncertain significance. Last evaluated: 2025-09-02. Review status: criteria provided, single submitter. Criteria: Invitae Variant Classification Sherloc (09022015). Collection method: clinical testing. Allele origin: germline.
Comment: This sequence change affects codon 787 of the MICAL1 mRNA. It is a 'silent' change, meaning that it does not change the encoded amino acid sequence of the MICAL1 protein. This variant also falls at the last nucleotide of exon 18, which is part of the consensus splice site for this exon. The frequency data for this variant in the population databases is considered unreliable, as metrics indicate poor data quality at this position in the gnomAD database. This variant has not been reported in the literature in individuals affected with MICAL1-related conditions. ClinVar contains an entry for this variant (Variation ID: 1900302). Variants that disrupt the consensus splice site are a relatively common cause of aberrant splicing (PMID: 17576681, 9536098). Algorithms developed to predict the effect of sequence changes on RNA splicing suggest that this variant may disrupt the consensus splice site. In summary, the available evidence is currently insufficient to determine the role of this variant in disease. Therefore, it has been classified as a Variant of Uncertain Significance.

Dr. Peter K. Rogan Lab, Western University
No classification provided (evidence only). Condition: Familial cancer of breast. Review status: no classification provided. Collection method: in vitro. Allele origin: not applicable. Functional consequence: retained intron. Not counted in ClinVar's aggregate classification.

Literature cited by the submitters: PubMed 17576681 (cited by Labcorp Genetics (formerly Invitae), Labcorp); PubMed 9536098 (cited by Labcorp Genetics (formerly Invitae), Labcorp).

NM_022765.4(MICAL1):c.2304G>A (p.Pro768=)

Gene: MICAL1 (microtubule associated monooxygenase, calponin and LIM domain containing 1; minus strand). Cytogenetic location: 6q21.
Variant type: single nucleotide variant.
Coding change: c.2304G>A on transcript NM_022765.4 (MANE Select); coding-DNA position 2304, G replaced by A.
Protein change: p.Pro768=; no amino-acid change (proline 768 retained).
Molecular consequence: synonymous variant.
Genome position (GRCh38, 1-based): chr6:109,446,696, C>T on the plus strand (G>A on the coding strand, the complement: MICAL1 is on the minus strand). VCF-style: chr6-109446696-C-T. GRCh37 (hg19) VCF-style: chr6-109767899-C-T.
Other names: c.2046G>A, p.Pro682= (NM_001159291.2); c.2361G>A, p.Pro787= (NM_001286613.2).
Identifiers: ClinVar variation 1900302 (VCV001900302.6), dbSNP rs201052865, ClinGen allele CA3952980.